The following is an entry in ClinVar:

ClinVar aggregate classification (germline): Benign. Review status: criteria provided, multiple submitters, no conflicts (2 of 4 stars). 3 submissions from 3 submitters: Benign (2). 1 of the submissions does not count toward it. Last evaluated 2026-02-03.

Conditions:
ARIH1-related disorder. Also called: ARIH1-related condition.

Submissions (3):

Labcorp Genetics (formerly Invitae), Labcorp
Classification: Benign. Last evaluated: 2026-02-03. Review status: criteria provided, single submitter. Criteria: Invitae Variant Classification Sherloc (09022015). Collection method: clinical testing. Allele origin: germline.

Laboratory for Molecular Medicine, Mass General Brigham Personalized Medicine
Classification: Benign. Last evaluated: 2016-03-29. Review status: criteria provided, single submitter. Criteria: LMM Criteria. Collection method: clinical testing. Allele origin: germline.
Comment: Variant identified in a genome or exome case(s) and assessed due to predicted null impact of the variant or pathogenic assertions in the literature or databases. Disclaimer: This variant has not undergone full assessment. The following are preliminary notes: Frequency

PreventionGenetics, part of Exact Sciences
Classification: Benign for ARIH1-related condition. Last evaluated: 2019-11-20. Review status: no assertion criteria provided. Collection method: clinical testing. Allele origin: germline. Not counted in ClinVar's aggregate classification.
Comment: This variant is classified as benign based on ACMG/AMP sequence variant interpretation guidelines (Richards et al. 2015 PMID: 25741868, with internal and published modifications).

NM_005744.5(ARIH1):c.237CGG[8] (p.Gly90dup)

Gene: ARIH1 (ariadne RBR E3 ubiquitin protein ligase 1; plus strand). Cytogenetic location: 15q24.1.
Variant type: Microsatellite.
Coding change: c.237CGG[8] on transcript NM_005744.5 (MANE Select); eight copies in a row of the 3-base unit CGG starting at c.237; the reference has seven copies in a row; one copy, 3 bases duplicated.
Protein change: p.Gly90dup; duplicates glycine 90.
Molecular consequence: inframe insertion.
Genome position (GRCh38, 1-based): chr15:72,474,894-72,474,896, CGG duplicated; duplicating any 3 consecutive bases within chr15:72,474,874-72,474,896 gives the same sequence; the position shown is the placement nearest the transcript's 3' end. VCF-style (leftmost placement, unchanged base first): chr15-72474873-T-TGGC. GRCh37 (hg19) VCF-style: chr15-72767214-T-TGGC.
Identifiers: ClinVar variation 402394 (VCV000402394.13), dbSNP rs375614248, ClinGen allele CA7645447.